The following is an entry in ClinVar:

NM_004700.4(KCNQ4):c.720C>G (p.Thr240=)

Gene: KCNQ4 (potassium voltage-gated channel subfamily Q member 4; plus strand). Cytogenetic location: 1p34.2.
Variant type: single nucleotide variant.
Coding change: c.720C>G on transcript NM_004700.4 (MANE Select); coding-DNA position 720, C replaced by G.
Protein change: p.Thr240=; no amino-acid change (threonine 240 retained).
Molecular consequence: synonymous variant.
Genome position (GRCh38, 1-based): chr1:40,819,358, C>G. VCF-style: chr1-40819358-C-G. GRCh37 (hg19) VCF-style: chr1-41285030-C-G.
Other names: NM_004700.3(KCNQ4):c.720C>G(p.Thr240=); NM_004700.3(KCNQ4):c.720C>G; c.720C>G, p.Thr240= (NM_172163.3).
Identifiers: ClinVar variation 227469 (VCV000227469.7), dbSNP rs752131356, ClinGen allele CA10576423.

ClinVar aggregate classification (germline): Likely benign. Review status: reviewed by expert panel (3 of 4 stars). 4 submissions from 4 submitters: Likely benign (1). 3 of the submissions do not count toward it. Last evaluated 2018-09-28.

Conditions:
Nonsyndromic genetic hearing loss. Also called: Nonsyndromic hearing loss and deafness; Nonsyndromic genetic deafness; Non-syndromic genetic deafness. Identifiers: Orphanet 87884, MedGen C5680182, MONDO:0019497.

gnomAD v4.1: 2 of 1,613,832 alleles (0.00012%); highest among the groups gnomAD compares: Middle Eastern, 0.033%; no homozygotes.

Submissions (4):

ClinGen Hearing Loss Variant Curation Expert Panel
Classification: Likely benign for Nonsyndromic genetic hearing loss. Last evaluated: 2018-09-28. Review status: reviewed by expert panel. Criteria: ClinGen HL ACMG Specifications v1. Collection method: curation. Allele origin: germline. Inheritance: Autosomal dominant inheritance.
Comment: The silent p.Thr240= variant in KCNQ4 is not predicted by computational tools to impact splicing (BP7. BP4). The variant is absent from the Genome Aggregation Database, however this is not considered evidence against a likely benign classification. In summary, this variant meets criteria to be classified as likely benign. ACMG/AMP criteria applied: BP7, BP4.

Blueprint Genetics
Classification: Likely benign. Last evaluated: 2021-12-24. Review status: criteria provided, single submitter. Criteria: ACMG Guidelines, 2015. Collection method: clinical testing. Allele origin: germline. Not counted in ClinVar's aggregate classification.

Laboratory for Molecular Medicine, Mass General Brigham Personalized Medicine
Classification: Likely benign. Last evaluated: 2015-02-03. Review status: criteria provided, single submitter. Criteria: LMM Criteria. Collection method: clinical testing. Allele origin: germline. Observed: 1 variant allele. Not counted in ClinVar's aggregate classification.
Comment: p.Thr240Thr in c.720C>G of KCNQ4: This variant is not expected to have clinical significance because it does not alter an amino acid residue and is not located within the splice consensus sequence.

PreventionGenetics, part of Exact Sciences
Classification: Likely benign. Review status: criteria provided, single submitter. Criteria: ACMG Guidelines, 2015. Collection method: clinical testing. Allele origin: germline. Not counted in ClinVar's aggregate classification.